The following is an entry in ClinVar:

NM_003906.5(MCM3AP):c.127A>T (p.Ser43Cys)

Gene: MCM3AP (minichromosome maintenance complex component 3 associated protein; minus strand). Cytogenetic location: 21q22.3.
Variant type: single nucleotide variant.
Coding change: c.127A>T on transcript NM_003906.5 (MANE Select); coding-DNA position 127, A replaced by T.
Protein change: p.Ser43Cys; replaces serine 43 with cysteine.
Molecular consequence: missense variant.
Genome position (GRCh38, 1-based): chr21:46,285,160, T>A on the plus strand (A>T on the coding strand, the complement: MCM3AP is on the minus strand). VCF-style: chr21-46285160-T-A. GRCh37 (hg19) VCF-style: chr21-47705074-T-A.
Other names: c.127A>T (NM_003906.3); short protein forms S43C.
Identifiers: ClinVar variation 1464242 (VCV001464242.7), dbSNP rs377478867, ClinGen allele CA10077414.

ClinVar aggregate classification (germline): Uncertain significance. Review status: criteria provided, multiple submitters, no conflicts (2 of 4 stars). 2 submissions from 2 submitters: Uncertain significance (2). Last evaluated 2025-01-02.

Conditions:
Inborn genetic diseases. Identifiers: MedGen C0950123, MeSH D030342.

Allele frequency attached by ClinVar (database versions not stated): gnomAD 0.00001; ESP Exome Variant Server 0.00008.

Submissions (2):

Ambry Genetics
Classification: Uncertain significance for Inborn genetic diseases. Last evaluated: 2025-01-02. Review status: criteria provided, single submitter. Criteria: Ambry Variant Classification Scheme 2023. Collection method: clinical testing. Allele origin: germline.

Labcorp Genetics (formerly Invitae), Labcorp
Classification: Uncertain significance. Last evaluated: 2023-10-13. Review status: criteria provided, single submitter. Criteria: Invitae Variant Classification Sherloc (09022015). Collection method: clinical testing. Allele origin: germline.
Comment: This sequence change replaces serine, which is neutral and polar, with cysteine, which is neutral and slightly polar, at codon 43 of the MCM3AP protein (p.Ser43Cys). This variant is present in population databases (rs377478867, gnomAD no frequency). This variant has not been reported in the literature in individuals affected with MCM3AP-related conditions. ClinVar contains an entry for this variant (Variation ID: 1464242). An algorithm developed to predict the effect of missense changes on protein structure and function (PolyPhen-2) suggests that this variant is likely to be disruptive. In summary, the available evidence is currently insufficient to determine the role of this variant in disease. Therefore, it has been classified as a Variant of Uncertain Significance.